The following is an entry in ClinVar:

ClinVar aggregate classification (germline): Uncertain significance (1 of 4 stars; one submission).

Conditions:
Familial focal epilepsy with variable foci (FPEVF). Identifiers: Orphanet 98820, MedGen C1858477, MONDO:0020310.

Submission:

Labcorp Genetics (formerly Invitae), Labcorp
Classification: Uncertain significance for Familial focal epilepsy with variable foci. Last evaluated: 2023-02-23. Review status: criteria provided, single submitter. Criteria: Invitae Variant Classification Sherloc (09022015). Collection method: clinical testing. Allele origin: germline.
Comment: This variant has not been reported in the literature in individuals affected with DEPDC5-related conditions. In summary, the available evidence is currently insufficient to determine the role of this variant in disease. Therefore, it has been classified as a Variant of Uncertain Significance. Experimental studies and prediction algorithms are not available or were not evaluated, and the functional significance of this variant is currently unknown. ClinVar contains an entry for this variant (Variation ID: 1719682). This variant is not present in population databases (gnomAD no frequency). This sequence change replaces valine, which is neutral and non-polar, with leucine, which is neutral and non-polar, at codon 340 of the DEPDC5 protein (p.Val340Leu).

NM_001242896.3(DEPDC5):c.1018G>T (p.Val340Leu)

Gene: DEPDC5 (DEP domain containing 5, GATOR1 subcomplex subunit; plus strand). Cytogenetic location: 22q12.3.
Variant type: single nucleotide variant.
Coding change: c.1018G>T on transcript NM_001242896.3 (MANE Select); coding-DNA position 1018, G replaced by T.
Protein change: p.Val340Leu; replaces valine 340 with leucine.
Molecular consequence: missense variant. On other transcripts: non-coding transcript variant (5).
Genome position (GRCh38, 1-based): chr22:31,802,775, G>T. VCF-style: chr22-31802775-G-T. GRCh37 (hg19) VCF-style: chr22-32198761-G-T.
Other names: c.1018G>T, p.Val340Leu (NM_001363852.2, NM_001363854.2, NM_001364318.2 and 7 more transcripts); c.934G>T, p.Val312Leu (NM_001369901.1, NM_001369902.1); short protein forms V312L, V340L.
Identifiers: ClinVar variation 1719682 (VCV001719682.5), dbSNP rs2518877902, ClinGen allele CA411292881.